The following is an entry in ClinVar:

ClinVar aggregate classification (germline): Uncertain significance. Review status: criteria provided, single submitter (1 of 4 stars). 2 submissions from 2 submitters: Uncertain significance (1). 1 of the submissions does not count toward it. Last evaluated 2024-07-17.

Conditions:
SCAPER-related disorder. Also called: SCAPER-related condition.
Inborn genetic diseases. Identifiers: MedGen C0950123, MeSH D030342.

gnomAD v4.1: 59 of 1,605,698 alleles (0.0037%); highest among the groups gnomAD compares: Non-Finnish European, 0.0041%; no homozygotes.

Submissions (2):

Ambry Genetics
Classification: Uncertain significance for Inborn genetic diseases. Last evaluated: 2024-07-17. Review status: criteria provided, single submitter. Criteria: Ambry Variant Classification Scheme 2023. Collection method: clinical testing. Allele origin: germline.

PreventionGenetics, part of Exact Sciences
Classification: Uncertain significance for SCAPER-related condition. Last evaluated: 2024-09-20. Review status: no assertion criteria provided. Collection method: clinical testing. Allele origin: germline. Not counted in ClinVar's aggregate classification.
Comment: The SCAPER c.3893G>A variant is predicted to result in the amino acid substitution p.Arg1298His. To our knowledge, this variant has not been reported in the literature. This variant is reported in 0.0054% of alleles in individuals of European (Non-Finnish) descent in gnomAD. At this time, the clinical significance of this variant is uncertain due to the absence of conclusive functional and genetic evidence.

NM_020843.4(SCAPER):c.3875G>A (p.Arg1292His)

Gene: SCAPER (S-phase cyclin A associated protein in the ER; minus strand). Cytogenetic location: 15q24.3.
Variant type: single nucleotide variant.
Coding change: c.3875G>A on transcript NM_020843.4 (MANE Select); coding-DNA position 3875, G replaced by A.
Protein change: p.Arg1292His; replaces arginine 1292 with histidine.
Molecular consequence: missense variant. On other transcripts: non-coding transcript variant (1).
Genome position (GRCh38, 1-based): chr15:76,354,121, C>T on the plus strand (G>A on the coding strand, the complement: SCAPER is on the minus strand). VCF-style: chr15-76354121-C-T. GRCh37 (hg19) VCF-style: chr15-76646462-C-T.
Other names: c.3137G>A, p.Arg1046His (NM_001145923.2); c.3893G>A, p.Arg1298His (NM_001353009.2); c.3473G>A, p.Arg1158His (NM_001353010.2, NM_001353012.2); c.3491G>A, p.Arg1164His (NM_001353011.2); c.3875G>A (NM_020843.2); short protein forms R1046H, R1158H, R1164H, R1292H, R1298H.
Identifiers: ClinVar variation 3350304 (VCV003350304.2).